The following is an entry in ClinVar:

ClinVar aggregate classification (germline): Uncertain significance (1 of 4 stars; one submission).

Submission:

GeneDx
Classification: Uncertain significance. Last evaluated: 2025-11-03. Review status: criteria provided, single submitter. Criteria: GeneDx Variant Classification Process June 2021. Collection method: clinical testing. Allele origin: germline.
Comment: Identified in a patient with ataxic stance, broad-based gait, and ocular motor dysfunction in published literature, but it is unknown whether this individual was screened for variants in other genes (PMID: 21734179); Not observed at significant frequency in large population cohorts (gnomAD); In silico analysis supports that this missense variant has a deleterious effect on protein structure/function; In silico analysis supports a deleterious effect on splicing; This variant is associated with the following publications: (PMID: 21734179, 37422902)

NM_001127222.2(CACNA1A):c.5312A>G (p.Asp1771Gly)

Gene: CACNA1A (calcium voltage-gated channel subunit alpha1 A; minus strand). Cytogenetic location: 19p13.13.
Variant type: single nucleotide variant.
Coding change: c.5312A>G on transcript NM_001127222.2 (MANE Select); coding-DNA position 5312, A replaced by G.
Protein change: p.Asp1771Gly; replaces aspartic acid 1771 with glycine.
Molecular consequence: missense variant.
Genome position (GRCh38, 1-based): chr19:13,231,798, T>C on the plus strand (A>G on the coding strand, the complement: CACNA1A is on the minus strand). VCF-style: chr19-13231798-T-C. GRCh37 (hg19) VCF-style: chr19-13342612-T-C.
Other names: c.5330A>G, p.Asp1777Gly (NM_000068.4, NM_023035.3); c.5315A>G, p.Asp1772Gly (NM_001127221.2); c.5321A>G, p.Asp1774Gly (NM_001174080.2); short protein forms D1771G, D1772G, D1774G, D1777G.
Identifiers: ClinVar variation 3375534 (VCV003375534.2).